The following is an entry in ClinVar:

ClinVar aggregate classification (germline): Uncertain significance (1 of 4 stars; one submission).

Conditions:
Hereditary cancer-predisposing syndrome. Also called: Neoplastic Syndromes, Hereditary; Tumor predisposition; Hereditary neoplastic syndrome; Hereditary Cancer Syndrome. Identifiers: Orphanet 140162, MedGen C0027672, MeSH D009386, MONDO:0015356.

Submission:

Ambry Genetics
Classification: Uncertain significance for Hereditary cancer-predisposing syndrome. Last evaluated: 2026-07-21. Review status: criteria provided, single submitter. Criteria: Ambry Variant Classification Scheme 2023. Collection method: clinical testing. Allele origin: germline.
Comment: The p.E463D variant (also known as c.1389A>C), located in coding exon 4 of the MSH6 gene, results from an A to C substitution at nucleotide position 1389. The glutamic acid at codon 463 is replaced by aspartic acid, an amino acid with highly similar properties. This amino acid position is conserved. In addition, this alteration is predicted to be deleterious by in silico analysis. Based on the available evidence, the clinical significance of this variant remains unclear.

NM_000179.3(MSH6):c.1389A>C (p.Glu463Asp)

Gene: MSH6 (mutS homolog 6; plus strand). Cytogenetic location: 2p16.3.
Variant type: single nucleotide variant.
Coding change: c.1389A>C on transcript NM_000179.3 (MANE Select); coding-DNA position 1389, A replaced by C.
Protein change: p.Glu463Asp; replaces glutamic acid 463 with aspartic acid.
Molecular consequence: missense variant. On other transcripts: non-coding transcript variant (4), intron variant (1).
Genome position (GRCh38, 1-based): chr2:47,799,372, A>C. VCF-style: chr2-47799372-A-C. GRCh37 (hg19) VCF-style: chr2-48026511-A-C.
Other names: c.1389A>C, p.Glu463Asp (NM_001406817.1, NM_001406808.1, NM_001406809.1 and 4 more transcripts); c.1092A>C, p.Glu364Asp (NM_001406818.1, NM_001406819.1, NM_001406820.1 and 10 more transcripts); c.483A>C, p.Glu161Asp (NM_001406823.1, NM_001406829.1, NM_001406811.1 and 6 more transcripts); c.1221A>C, p.Glu407Asp (NM_001406826.1); c.628-1294A>C (NM_001407362.1); c.1395A>C, p.Glu465Asp (NM_001406813.1); c.999A>C, p.Glu333Asp (NM_001281492.2); c.1485A>C, p.Glu495Asp (NM_001406795.1, NM_001406802.1); and 2 more; short protein forms E161D, E333D, E465D, E495D, E437D, E288D, E364D, E407D.
Identifiers: ClinVar variation 5024915 (VCV005024915.1).